The following is an entry in ClinVar:

NM_015506.3(MMACHC):c.122dup (p.Pro42fs)

Gene: MMACHC (metabolism of cobalamin associated C; plus strand). Cytogenetic location: 1p34.1.
Variant type: Duplication.
Coding change: c.122dup on transcript NM_015506.3 (MANE Select); coding-DNA position 122, one base duplicated (T; older notation c.122dupT).
Protein change: p.Pro42fs; shifts the reading frame from proline 42.
Molecular consequence: frameshift variant. On other transcripts: 5 prime UTR variant (1).
Genome position (GRCh38, 1-based): chr1:45,507,396, T duplicated. VCF-style (leftmost placement, unchanged base first): chr1-45507395-C-CT. GRCh37 (hg19) VCF-style: chr1-45973067-C-CT.
Other names: c.-50dup (NM_001330540.2); short protein forms P42fs.
Identifiers: ClinVar variation 3720205 (VCV003720205.2).

ClinVar aggregate classification (germline): Pathogenic (1 of 4 stars; one submission).

Conditions:
Cobalamin C disease. Also called: Methylmalonic aciduria and homocystinuria, Vitamin B12-responsive; Vitamin B12 metabolic defect with combined deficiency of methylmalonyl-CoA mutase and homocysteine:methyltetrahydrofolate methyltransferase; Methylmalonic aciduria with homocystinuria cblC type; Cobalamin-C methylmalonic acidemia and homocystinuria; Methylmalonic acidemia and homocystinuria cblC type; methylmalonic aciduria and homocystinuria type cblC. Identifiers: Orphanet 26, Orphanet 79282, MedGen C1848561, MONDO:0010184, OMIM 277400.

Submission:

Labcorp Genetics (formerly Invitae), Labcorp
Classification: Pathogenic for Cobalamin C disease. Last evaluated: 2024-10-11. Review status: criteria provided, single submitter. Criteria: Invitae Variant Classification Sherloc (09022015). Collection method: clinical testing. Allele origin: germline.
Comment: This sequence change creates a premature translational stop signal (p.Pro42Thrfs*19) in the MMACHC gene. It is expected to result in an absent or disrupted protein product. Loss-of-function variants in MMACHC are known to be pathogenic (PMID: 16311595). This variant is not present in population databases (gnomAD no frequency). This premature translational stop signal has been observed in individual(s) with methylmalonic aciduria and homocystinuria (PMID: 19370762). For these reasons, this variant has been classified as Pathogenic.

Literature cited by the submitters: PubMed 16311595; PubMed 19370762.